The following is an entry in ClinVar:

NM_024642.5(GALNT12):c.1287G>A (p.Leu429=)

Gene: GALNT12 (polypeptide N-acetylgalactosaminyltransferase 12; plus strand). Cytogenetic location: 9q22.33.
Variant type: single nucleotide variant.
Coding change: c.1287G>A on transcript NM_024642.5 (MANE Select); coding-DNA position 1287, G replaced by A.
Protein change: p.Leu429=; no amino-acid change (leucine 429 retained).
Molecular consequence: synonymous variant.
Genome position (GRCh38, 1-based): chr9:98,840,076, G>A. VCF-style: chr9-98840076-G-A. GRCh37 (hg19) VCF-style: chr9-101602358-G-A.
Identifiers: ClinVar variation 4876181 (VCV004876181.1).
Genomic context (GRCh38, chr9:98,840,076, plus strand): 5'-TGTGACAGAGAGGAAGCAGCTCCGGGACAAGCTCCAGTGTAAAGACTTCAAGTGGTTCTT[G>A]GAGACTGTGTATCCAGAACTGCATGTGCCTGAGGACAGGCCTGGCTTCTTCGGGATGGTG-3'
Protein context (NP_078918.3, residues 419-439): KLQCKDFKWF[Leu429=]ETVYPELHVP

ClinVar aggregate classification (germline): Benign (1 of 4 stars; one submission).

Conditions:
Colorectal cancer, susceptibility to, 1. Also called: COLORECTAL ADENOMA AND CANCER, SUSCEPTIBILITY TO; COLORECTAL CANCER, SUSCEPTIBILITY TO, ON CHROMOSOME 9. Identifiers: MedGen C1837315, MONDO:0012132, OMIM 608812.

Submission:

Myriad Genetics, Inc.
Classification: Benign for Colorectal cancer, susceptibility to, 1. Last evaluated: 2026-04-27. Review status: criteria provided, single submitter. Criteria: Myriad Autosomal Dominant, Autosomal Recessive and X-Linked Classification Criteria (2023). Collection method: clinical testing. Allele origin: unknown.
Comment: This variant is considered benign. This variant is a silent/synonymous amino acid change and it is not expected to impact splicing.